The following is an entry in ClinVar:

ClinVar aggregate classification (germline): Benign/Likely benign. Review status: criteria provided, multiple submitters, no conflicts (2 of 4 stars). 2 submissions from 2 submitters: Benign (1); Likely benign (1). Last evaluated 2025-12-21.

Conditions:
Familial cancer of breast. Also called: hereditary breast carcinoma; BREAST CANCER, FAMILIAL; Hereditary breast cancer. Identifiers: Orphanet 227535, MedGen C0346153, MONDO:0016419, OMIM 114480. Disease mechanism: loss of function.
Ataxia-telangiectasia syndrome (AT). Also called: Ataxia telangiectasia (A-T); LOUIS-BAR SYNDROME; Cerebello-oculocutaneous telangiectasia; Immunodeficiency with ataxia telangiectasia; ATAXIA-TELANGIECTASIA, COMPLEMENTATION GROUP A; ATAXIA-TELANGIECTASIA, FRESNO VARIANT. Identifiers: Orphanet 100, MedGen C0004135, MONDO:0008840, OMIM 208900.

gnomAD v4.1: 1 of 1,613,790 alleles (0.000062%); highest among the groups gnomAD compares: Non-Finnish European, 0.000085%; no homozygotes.

Submissions (2):

Labcorp Genetics (formerly Invitae), Labcorp
Classification: Likely benign for Ataxia-telangiectasia syndrome. Last evaluated: 2025-12-21. Review status: criteria provided, single submitter. Criteria: Invitae Variant Classification Sherloc (09022015). Collection method: clinical testing. Allele origin: germline.

Myriad Genetics, Inc.
Classification: Benign for Familial cancer of breast. Last evaluated: 2024-05-20. Review status: criteria provided, single submitter. Criteria: Myriad Autosomal Dominant, Autosomal Recessive and X-Linked Classification Criteria (2023). Collection method: clinical testing. Allele origin: unknown.
Comment: This variant is considered benign. This variant is a silent/synonymous amino acid change and it is not expected to impact splicing.

NM_000051.4(ATM):c.4515C>G (p.Ala1505=)

Gene: ATM (ATM serine/threonine kinase; plus strand). Cytogenetic location: 11q22.3.
Variant type: single nucleotide variant.
Coding change: c.4515C>G on transcript NM_000051.4 (MANE Select); coding-DNA position 4515, C replaced by G.
Protein change: p.Ala1505=; no amino-acid change (alanine 1505 retained).
Molecular consequence: synonymous variant.
Genome position (GRCh38, 1-based): chr11:108,292,697, C>G. VCF-style: chr11-108292697-C-G. GRCh37 (hg19) VCF-style: chr11-108163424-C-G.
Other names: c.4515C>G, p.Ala1505= (NM_001351834.2).
Identifiers: ClinVar variation 236720 (VCV000236720.10), dbSNP rs540798997, ClinGen allele CA10582820.
Genomic context (GRCh38, chr11:108,292,697, plus strand): 5'-TGTGTCATTACGTAGCTTCTCCCTTTGTTGTGACTTATTAAGTCAGGTTTGCCAGACAGC[C>G]GTGACTTACTGTAAGGATGCTCTAGAAAACCATCTTCATGTTATTGTTGGTACACTTATA-3'
Protein context (NP_000042.3, residues 1495-1515): CDLLSQVCQT[Ala1505=]VTYCKDALEN